The following is an entry in ClinVar:

NC_000017.10:g.(?_1577736)_(1587865_?)dup

Gene: PRPF8 (pre-mRNA processing factor 8; minus strand). Cytogenetic location: 17p13.3.
Variant type: Duplication.
Identifiers: ClinVar variation 1000002 (VCV001000002.3).

ClinVar aggregate classification (germline): Uncertain significance (1 of 4 stars; one submission).

Submission:

Labcorp Genetics (formerly Invitae), Labcorp
Classification: Uncertain significance. Last evaluated: 2020-03-16. Review status: criteria provided, single submitter. Criteria: Invitae Variant Classification Sherloc (09022015). Collection method: clinical testing. Allele origin: germline.
Comment: In summary, the available evidence is currently insufficient to determine the role of this variant in disease. Therefore, it has been classified as a Variant of Uncertain Significance. This variant has not been reported in the literature in individuals with PRPF8-related conditions. This variant results in a copy number gain of the genomic region encompassing exons 2-21 of the PRPF8 gene, which includes the initiator codon. The 5' end of this event is unknown as it extends beyond the assayed region for this gene and therefore may encompass additional genes. The 3' boundary is likely confined to intron 21 of the PRPF8 gene. As the precise location of this event is unknown, it may be in tandem or it may be located elsewhere in the genome.